The following is an entry in ClinVar:

NM_003835.4(RGS9):c.157A>C (p.Ser53Arg)

Gene: RGS9 (regulator of G protein signaling 9; plus strand). Cytogenetic location: 17q24.1.
Variant type: single nucleotide variant.
Coding change: c.157A>C on transcript NM_003835.4 (MANE Select); coding-DNA position 157, A replaced by C.
Protein change: p.Ser53Arg; replaces serine 53 with arginine.
Molecular consequence: missense variant.
Genome position (GRCh38, 1-based): chr17:65,158,297, A>C. VCF-style: chr17-65158297-A-C. GRCh37 (hg19) VCF-style: chr17-63154415-A-C.
Other names: c.157A>C, p.Ser53Arg (NM_001081955.3, NM_001165933.2); short protein forms S53R.
Identifiers: ClinVar variation 1053828 (VCV001053828.9), dbSNP rs1443800819, ClinGen allele CA400663534.

ClinVar aggregate classification (germline): Uncertain significance (1 of 4 stars; one submission).

gnomAD v4.1: 1 of 1,614,120 alleles (0.000062%); highest among the groups gnomAD compares: South Asian, 0.0011%; no homozygotes.

Submission:

Labcorp Genetics (formerly Invitae), Labcorp
Classification: Uncertain significance. Last evaluated: 2020-08-25. Review status: criteria provided, single submitter. Criteria: Invitae Variant Classification Sherloc (09022015). Collection method: clinical testing. Allele origin: germline.
Comment: In summary, the available evidence is currently insufficient to determine the role of this variant in disease. Therefore, it has been classified as a Variant of Uncertain Significance. Algorithms developed to predict the effect of missense changes on protein structure and function (SIFT, PolyPhen-2, Align-GVGD) all suggest that this variant is likely to be tolerated, but these predictions have not been confirmed by published functional studies and their clinical significance is uncertain. This variant has not been reported in the literature in individuals with RGS9-related conditions. This variant is not present in population databases (ExAC no frequency). This sequence change replaces serine with arginine at codon 53 of the RGS9 protein (p.Ser53Arg). The serine residue is weakly conserved and there is a moderate physicochemical difference between serine and arginine.